The following is an entry in ClinVar:

ClinVar aggregate classification (germline): Benign/Likely benign. Review status: criteria provided, multiple submitters, no conflicts (2 of 4 stars). 5 submissions from 5 submitters: Benign (1); Likely benign (4). Last evaluated 2024-12-27.

Conditions:
Hereditary nonpolyposis colorectal neoplasms. Identifiers: MedGen C0009405, MeSH D003123.
Hereditary cancer-predisposing syndrome. Also called: Hereditary neoplastic syndrome; Tumor predisposition; Hereditary Cancer Syndrome; Neoplastic Syndromes, Hereditary. Identifiers: Orphanet 140162, MedGen C0027672, MeSH D009386, MONDO:0015356.
Lynch syndrome 5 (LYNCH5). Also called: Colorectal cancer, hereditary nonpolyposis, type 5; Hereditary non-polyposis colorectal cancer, type 5. Identifiers: Orphanet 144, MedGen C1833477, MONDO:0013710, OMIM 614350. Disease mechanism: loss of function.

Submissions (5):

Myriad Genetics, Inc.
Classification: Benign for Lynch syndrome 5. Last evaluated: 2024-12-27. Review status: criteria provided, single submitter. Criteria: Myriad Autosomal Dominant, Autosomal Recessive and X-Linked Classification Criteria (2023). Collection method: clinical testing. Allele origin: unknown.
Comment: This variant is considered benign. This variant is a silent/synonymous amino acid change and it is not expected to impact splicing.

Ambry Genetics
Classification: Likely benign for Hereditary cancer-predisposing syndrome. Last evaluated: 2021-01-03. Review status: criteria provided, single submitter. Criteria: Ambry Variant Classification Scheme 2023. Collection method: clinical testing. Allele origin: germline.

Labcorp Genetics (formerly Invitae), Labcorp
Classification: Likely benign for Hereditary nonpolyposis colorectal neoplasms. Last evaluated: 2020-03-14. Review status: criteria provided, single submitter. Criteria: Invitae Variant Classification Sherloc (09022015). Collection method: clinical testing. Allele origin: germline.

Women's Health and Genetics/Laboratory Corporation of America, LabCorp
Classification: Likely benign. Last evaluated: 2020-01-25. Review status: criteria provided, single submitter. Criteria: LabCorp Variant Classification Summary - May 2015. Collection method: clinical testing. Allele origin: germline.

Color Diagnostics, LLC DBA Color Health
Classification: Likely benign for Hereditary cancer-predisposing syndrome. Last evaluated: 2017-11-07. Review status: criteria provided, single submitter. Criteria: ACMG Guidelines, 2015. Collection method: clinical testing. Allele origin: germline.

NM_000179.3(MSH6):c.1698A>G (p.Gly566=)

Gene: MSH6 (mutS homolog 6; plus strand). Cytogenetic location: 2p16.3.
Variant type: single nucleotide variant.
Coding change: c.1698A>G on transcript NM_000179.3 (MANE Select); coding-DNA position 1698, A replaced by G.
Protein change: p.Gly566=; no amino-acid change (glycine 566 retained).
Molecular consequence: synonymous variant.
Genome position (GRCh38, 1-based): chr2:47,799,681, A>G. VCF-style: chr2-47799681-A-G. GRCh37 (hg19) VCF-style: chr2-48026820-A-G.
Other names: c.1308A>G, p.Gly436= (NM_001281492.2); c.792A>G, p.Gly264= (NM_001281493.2, NM_001281494.2).
Identifiers: ClinVar variation 491881 (VCV000491881.16), dbSNP rs764818222, ClinGen allele CA426121522.